The following is an entry in ClinVar:

ClinVar aggregate classification (germline): Likely benign (1 of 4 stars; one submission).

gnomAD v4.1: 27 of 1,608,218 alleles (0.0017%); highest among the groups gnomAD compares: African/African-American, 0.036%; no homozygotes.

Submission:

Mayo Clinic Laboratories, Mayo Clinic
Classification: Likely benign. Last evaluated: 2025-07-15. Review status: criteria provided, single submitter. Criteria: ACMG Guidelines, 2015. Collection method: clinical testing. Allele origin: germline. Observed: 1 variant allele.
Comment: BP7, PM2_supporting

NM_000295.5(SERPINA1):c.-4-7C>T

Gene: SERPINA1 (serpin family A member 1; minus strand). Cytogenetic location: 14q32.13.
Variant type: single nucleotide variant.
Coding change: c.-4-7C>T on transcript NM_000295.5 (MANE Select); 7 bases into the intron before 4 bases upstream of the start codon, C replaced by T.
Molecular consequence: intron variant.
Genome position (GRCh38, 1-based): chr14:94,383,248, G>A on the plus strand (C>T on the coding strand, the complement: SERPINA1 is on the minus strand). VCF-style: chr14-94383248-G-A. GRCh37 (hg19) VCF-style: chr14-94849585-G-A.
Other names: c.-4-7C>T (NM_001002235.3, NM_001127707.2, NM_001127706.2 and 7 more transcripts).
Identifiers: ClinVar variation 4683924 (VCV004683924.1).